The following is an entry in ClinVar:

ClinVar aggregate classification (germline): Uncertain significance. Review status: criteria provided, multiple submitters, no conflicts (2 of 4 stars). 3 submissions from 3 submitters: Uncertain significance (3). Last evaluated 2025-09-22.

Allele frequency attached by ClinVar (database versions not stated): gnomAD 0.00019 and 0.00022; ESP Exome Variant Server 0.00031; ExAC 0.00033; gnomAD exomes 0.00036 and 0.00022; 1000 Genomes Project 0.00040; TOPMed 0.00022; 1000 Genomes Project 30x 0.00031.
gnomAD v4.1: 360 of 1,613,248 alleles (0.022%); highest among the groups gnomAD compares: Middle Eastern, 0.21%; 2 homozygotes.

Submissions (3):

Mayo Clinic Laboratories, Mayo Clinic
Classification: Uncertain significance. Last evaluated: 2025-09-22. Review status: criteria provided, single submitter. Criteria: ACMG Guidelines, 2015. Collection method: clinical testing. Allele origin: germline. Observed: 1 variant allele.
Comment: BP4_moderate

Blueprint Genetics
Classification: Uncertain significance. Last evaluated: 2024-10-30. Review status: criteria provided, single submitter. Criteria: ACMG Guidelines, 2015. Collection method: clinical testing. Allele origin: germline.

Labcorp Genetics (formerly Invitae), Labcorp
Classification: Uncertain significance. Last evaluated: 2024-01-22. Review status: criteria provided, single submitter. Criteria: Invitae Variant Classification Sherloc (09022015). Collection method: clinical testing. Allele origin: germline.
Comment: This sequence change replaces arginine, which is basic and polar, with histidine, which is basic and polar, at codon 283 of the SLC9A3 protein (p.Arg283His). This variant is present in population databases (rs146899318, gnomAD 0.1%). This variant has not been reported in the literature in individuals affected with SLC9A3-related conditions. ClinVar contains an entry for this variant (Variation ID: 1036794). Advanced modeling of protein sequence and biophysical properties (such as structural, functional, and spatial information, amino acid conservation, physicochemical variation, residue mobility, and thermodynamic stability) performed at Invitae indicates that this missense variant is not expected to disrupt SLC9A3 protein function with a negative predictive value of 80%. In summary, the available evidence is currently insufficient to determine the role of this variant in disease. Therefore, it has been classified as a Variant of Uncertain Significance.

Literature cited by the submitters: PubMed 31947599 (cited by Mayo Clinic Laboratories, Mayo Clinic).

NM_004174.4(SLC9A3):c.848G>A (p.Arg283His)

Gene: SLC9A3 (solute carrier family 9 member A3). Cytogenetic location: 5p15.33.
Variant type: single nucleotide variant.
Coding change: c.848G>A on transcript NM_004174.4 (MANE Select); coding-DNA position 848, G replaced by A.
Protein change: p.Arg283His; replaces arginine 283 with histidine.
Molecular consequence: missense variant.
Genome position (GRCh38, 1-based): chr5:484,604, C>T on the plus strand (G>A on the coding strand, the complement: SLC9A3 is on the minus strand). VCF-style: chr5-484604-C-T. GRCh37 (hg19) VCF-style: chr5-484719-C-T.
Other names: p.Arg283His; c.848G>A, p.Arg283His (NM_001284351.3); short protein forms R283H.
Identifiers: ClinVar variation 1036794 (VCV001036794.7), dbSNP rs146899318, ClinGen allele CA3176164.